The following is an entry in ClinVar:

ClinVar aggregate classification (germline): Conflicting classifications of pathogenicity. Review status: criteria provided, conflicting classifications (1 of 4 stars). 3 submissions from 3 submitters: Uncertain significance (1); Likely benign (2). Last evaluated 2024-03-06.

Conditions:
Hereditary cancer-predisposing syndrome. Also called: Hereditary Cancer Syndrome; Tumor predisposition; Hereditary neoplastic syndrome; Neoplastic Syndromes, Hereditary. Identifiers: Orphanet 140162, MedGen C0027672, MeSH D009386, MONDO:0015356.
Familial adenomatous polyposis 1 (FAP1). Also called: POLYPOSIS, ADENOMATOUS INTESTINAL; FAMILIAL ADENOMATOUS POLYPOSIS 1, ATTENUATED. Identifiers: MedGen C2713442, MONDO:0021056, OMIM 175100. Disease mechanism: loss of function.

Submissions (3):

Myriad Genetics, Inc.
Classification: Likely benign for Familial adenomatous polyposis 1. Last evaluated: 2024-03-06. Review status: criteria provided, single submitter. Criteria: Myriad Autosomal Dominant, Autosomal Recessive and X-Linked Classification Criteria (2023). Collection method: clinical testing. Allele origin: unknown.
Comment: This variant is considered likely benign. This variant is intronic and is not expected to impact mRNA splicing.

Labcorp Genetics (formerly Invitae), Labcorp
Classification: Uncertain significance for Familial adenomatous polyposis 1. Last evaluated: 2024-01-11. Review status: criteria provided, single submitter. Criteria: Invitae Variant Classification Sherloc (09022015). Collection method: clinical testing. Allele origin: germline.
Comment: This sequence change falls in intron 14 of the APC gene. It does not directly change the encoded amino acid sequence of the APC protein. It affects a nucleotide within the consensus splice site. This variant is not present in population databases (gnomAD no frequency). This variant has not been reported in the literature in individuals affected with APC-related conditions. ClinVar contains an entry for this variant (Variation ID: 1046786). Variants that disrupt the consensus splice site are a relatively common cause of aberrant splicing (PMID: 17576681, 9536098). Algorithms developed to predict the effect of sequence changes on RNA splicing suggest that this variant is not likely to affect RNA splicing. In summary, the available evidence is currently insufficient to determine the role of this variant in disease. Therefore, it has been classified as a Variant of Uncertain Significance.

Ambry Genetics
Classification: Likely benign for Hereditary cancer-predisposing syndrome. Last evaluated: 2021-12-03. Review status: criteria provided, single submitter. Criteria: Ambry Variant Classification Scheme 2023. Collection method: clinical testing. Allele origin: germline.

Literature cited by the submitters: PubMed 17576681 (cited by Labcorp Genetics (formerly Invitae), Labcorp); PubMed 9536098 (cited by Labcorp Genetics (formerly Invitae), Labcorp).

NM_000038.6(APC):c.1743+5C>G

Gene: APC (APC regulator of Wnt signaling pathway; plus strand). Cytogenetic location: 5q22.2.
Variant type: single nucleotide variant.
Coding change: c.1743+5C>G on transcript NM_000038.6 (MANE Select); 5 bases into the intron after coding-DNA position 1743, C replaced by G.
Molecular consequence: intron variant.
Genome position (GRCh38, 1-based): chr5:112,828,977, C>G. VCF-style: chr5-112828977-C-G. GRCh37 (hg19) VCF-style: chr5-112164674-C-G.
Other names: c.1743+5C>G (NM_001354895.2, NM_001127510.3); c.1773+5C>G (NM_001354897.2); c.1470+5C>G (NM_001354902.2); c.1689+5C>G (NM_001127511.3); c.1668+5C>G (NM_001354898.2); c.1365+5C>G (NM_001354904.2); c.894+5C>G (NM_001354906.2); c.1797+5C>G (NM_001354896.2); and 5 more.
Identifiers: ClinVar variation 1046786 (VCV001046786.50), dbSNP rs876658386, ClinGen allele CA1573509116.